The following is an entry in ClinVar:

NM_024928.5(STN1):c.397C>T (p.Arg133Ter)

Gene: STN1 (STN1 subunit of CST complex; minus strand). Cytogenetic location: 10q24.33.
Variant type: single nucleotide variant.
Coding change: c.397C>T on transcript NM_024928.5 (MANE Select); coding-DNA position 397, C replaced by T.
Protein change: p.Arg133Ter; replaces arginine 133 with a stop codon.
Molecular consequence: nonsense.
Genome position (GRCh38, 1-based): chr10:103,900,122, G>A on the plus strand (C>T on the coding strand, the complement: STN1 is on the minus strand). VCF-style: chr10-103900122-G-A. GRCh37 (hg19) VCF-style: chr10-105659880-G-A.
Other names: short protein forms R133*.
Identifiers: ClinVar variation 1980954 (VCV001980954.3), dbSNP rs149919798, ClinGen allele CA5676629.

ClinVar aggregate classification (germline): Uncertain significance (1 of 4 stars; one submission).

Allele frequency attached by ClinVar (database versions not stated): gnomAD exomes 0.00005; ExAC 0.00006; gnomAD 0.00007; ESP Exome Variant Server 0.00023.
gnomAD v4.1: 81 of 1,614,088 alleles (0.005%); highest among the groups gnomAD compares: East Asian, 0.011%; no homozygotes.

Submission:

Labcorp Genetics (formerly Invitae), Labcorp
Classification: Uncertain significance. Last evaluated: 2025-10-08. Review status: criteria provided, single submitter. Criteria: Invitae Variant Classification Sherloc (09022015). Collection method: clinical testing. Allele origin: germline.
Comment: This sequence change creates a premature translational stop signal (p.Arg133*) in the STN1 gene. It is expected to result in an absent or disrupted protein product. However, the current clinical and genetic evidence is not sufficient to establish whether loss-of-function variants in STN1 cause disease. This variant is present in population databases (rs149919798, gnomAD 0.02%). This premature translational stop signal has been observed in individual(s) with cerebroretinal microangiopathy with calcifications and cysts (CRMCC), also known as Coats plus syndrome (PMID: 32627942). ClinVar contains an entry for this variant (Variation ID: 1980954). Algorithms developed to predict the effect of sequence changes on RNA splicing suggest that this variant may disrupt the consensus splice site. In summary, the available evidence is currently insufficient to determine the role of this variant in disease. Therefore, it has been classified as a Variant of Uncertain Significance.

Literature cited by the submitters: PubMed 32627942.